The following is an entry in ClinVar:

ClinVar aggregate classification (germline): Uncertain significance (1 of 4 stars; one submission).

Conditions:
Dyskeratosis congenita, autosomal dominant 1 (DKCA1). Also called: Dyskeratosis congenita Scoggins type. Identifiers: Orphanet 1775, MedGen C4551974, MONDO:0007485, OMIM 127550. Inheritance: Variable.

Submission:

Labcorp Genetics (formerly Invitae), Labcorp
Classification: Uncertain significance for Dyskeratosis congenita, autosomal dominant 1. Last evaluated: 2023-09-03. Review status: criteria provided, single submitter. Criteria: Invitae Variant Classification Sherloc (09022015). Collection method: clinical testing. Allele origin: germline.
Comment: This variant is located within the BoxH/ACA scaRNA domain of the TERC RNA component, which is required for telomerase activity (PMID: 21844345). In summary, the available evidence is currently insufficient to determine the role of this variant in disease. Therefore, it has been classified as a Variant of Uncertain Significance. This variant has not been reported in the literature in individuals affected with TERC-related conditions. This variant is not present in population databases (gnomAD no frequency). This variant occurs in the TERC gene, which encodes an RNA molecule that does not result in a protein product.

Literature cited by the submitters: PubMed 21844345.

NC_000003.12:g.169764694G>A

Genes: TERC (telomerase RNA component; minus strand), LOC110806306 (telomerase RNA component (TERC) promoter; plus strand). Cytogenetic location: 3q26.2.
Variant type: single nucleotide variant.
Genome position: GRCh38 VCF-style: chr3-169764694-G-A. GRCh37 (hg19) VCF-style: chr3-169482482-G-A.
Identifiers: ClinVar variation 3021817 (VCV003021817.3), dbSNP rs2474261971, ClinGen allele CA436714927.